The following is an entry in ClinVar:

NM_000304.4(PMP22):c.199G>C (p.Ala67Pro)

Gene: PMP22 (peripheral myelin protein 22; minus strand). Cytogenetic location: 17p12.
Variant type: single nucleotide variant.
Coding change: c.199G>C on transcript NM_000304.4 (MANE Select); coding-DNA position 199, G replaced by C.
Protein change: p.Ala67Pro; replaces alanine 67 with proline.
Molecular consequence: missense variant. On other transcripts: non-coding transcript variant (2).
Genome position (GRCh38, 1-based): chr17:15,239,591, C>G on the plus strand (G>C on the coding strand, the complement: PMP22 is on the minus strand). VCF-style: chr17-15239591-C-G. GRCh37 (hg19) VCF-style: chr17-15142908-C-G.
Other names: c.199G>C, p.Ala67Pro (NM_001281455.2, NM_001281456.2, NM_001330143.2 and 2 more transcripts); short protein forms A67P.
Identifiers: ClinVar variation 8436 (VCV000008436.11), dbSNP rs104894623, ClinGen allele CA340786.
Genomic context (GRCh38, chr17:15,239,591, plus strand): 5'-GTTGGCAGAAGAACAGGAACAGAGACAGAATGCTGAAGATGATCGACAGGATCATGGTGG[C>G]CTGGACAGACTGCAGCCATTCTGGGGGAAAGAGACACTTGGTTAGGAGAGCTGGCCATGG-3'
Protein context (NP_000295.1, residues 57-77): SPNEWLQSVQ[Ala67Pro]TMILSIIFSI

ClinVar aggregate classification (germline): Pathogenic/Likely pathogenic. Review status: criteria provided, multiple submitters, no conflicts (2 of 4 stars). 4 submissions from 4 submitters: Pathogenic (1); Likely pathogenic (1). 2 of the submissions do not count toward it. Last evaluated 2025-06-29.

Conditions:
Charcot-Marie-Tooth disease, type I (CMT1). Also called: Charcot-Marie-Tooth, Type 1; Charcot-Marie-Tooth disease type 1. Identifiers: Orphanet 65753, MedGen C0751036, MONDO:0019011.
Charcot-Marie-Tooth disease type 1E. Also called: Charcot-Marie-Tooth Neuropathy Type 1E; CHARCOT-MARIE-TOOTH DISEASE, DEMYELINATING, TYPE 1E; CHARCOT-MARIE-TOOTH NEUROPATHY AND DEAFNESS, AUTOSOMAL DOMINANT; Charcot-Marie-Tooth disease and deafness. Identifiers: Orphanet 90658, MedGen C3495591, MONDO:0007311, OMIM 118300.

Submissions (4):

Labcorp Genetics (formerly Invitae), Labcorp
Classification: Pathogenic for Charcot-Marie-Tooth disease, type I. Last evaluated: 2025-06-29. Review status: criteria provided, single submitter. Criteria: Invitae Variant Classification Sherloc (09022015). Collection method: clinical testing. Allele origin: germline.
Comment: This sequence change replaces alanine, which is neutral and non-polar, with proline, which is neutral and non-polar, at codon 67 of the PMP22 protein (p.Ala67Pro). This variant is not present in population databases (gnomAD no frequency). This missense change has been observed in individuals with Charcot-Marie-Tooth disease and Charcot-Marie-Tooth disease and deafness (PMID: 10330345, 11920834; internal data). It has also been observed to segregate with disease in related individuals. This variant is also known as 248G>C. ClinVar contains an entry for this variant (Variation ID: 8436). An algorithm developed to predict the effect of missense changes on protein structure and function (PolyPhen-2) suggests that this variant is likely to be disruptive. For these reasons, this variant has been classified as Pathogenic.

Athena Diagnostics
Classification: Likely pathogenic. Last evaluated: 2019-12-20. Review status: criteria provided, single submitter. Criteria: Athena Diagnostics Criteria. Collection method: clinical testing. Allele origin: unknown.
Comment: Not found in the total gnomAD dataset, and the data is high quality. Found in at least one patient with expected phenotype for this gene. Predicted to have a damaging effect on the protein. Very strong co-segregation with disease in affected individuals from a single family.

OMIM
Classification: Pathogenic for CHARCOT-MARIE-TOOTH DISEASE AND DEAFNESS. Last evaluated: 1999-06-01. Review status: no assertion criteria provided. Collection method: literature only. Allele origin: germline. Not counted in ClinVar's aggregate classification.

GeneReviews
No classification provided. Condition: Charcot-Marie-Tooth disease type 1E. Review status: no classification provided. Collection method: literature only. Allele origin: unknown. Not counted in ClinVar's aggregate classification.

Literature cited by the submitters: PubMed 10330345 (cited by 3 submitters); PubMed 11920834 (cited by Labcorp Genetics (formerly Invitae), Labcorp and Athena Diagnostics); PubMed 12796555 (cited by Athena Diagnostics); PubMed 28374912 (cited by Athena Diagnostics); PubMed 25400662 (cited by Athena Diagnostics); PubMed 20453308 (cited by Athena Diagnostics); PubMed 7139106 (cited by Athena Diagnostics and OMIM); PubMed 7829101 (cited by OMIM); PubMed 20301384 (cited by GeneReviews); NCBI Bookshelf NBK1205 (cited by GeneReviews).